The following is an entry in ClinVar:

ClinVar aggregate classification (germline): Uncertain significance (1 of 4 stars; one submission).

Submission:

GeneDx
Classification: Uncertain significance. Last evaluated: 2026-09-13. Review status: criteria provided, single submitter. Criteria: GeneDx Variant Classification Process June 2021. Collection method: clinical testing. Allele origin: germline.
Comment: Not observed at significant frequency in large population cohorts (gnomAD); In silico analysis suggests that this missense variant does not alter protein structure/function; Has not been previously published as pathogenic or benign to our knowledge

NM_014727.3(KMT2B):c.2176G>A (p.Ala726Thr)

Gene: KMT2B (lysine methyltransferase 2B; plus strand). Cytogenetic location: 19q13.12.
Variant type: single nucleotide variant.
Coding change: c.2176G>A on transcript NM_014727.3 (MANE Select); coding-DNA position 2176, G replaced by A.
Protein change: p.Ala726Thr; replaces alanine 726 with threonine.
Molecular consequence: missense variant.
Genome position (GRCh38, 1-based): chr19:35,721,523, G>A. VCF-style: chr19-35721523-G-A. GRCh37 (hg19) VCF-style: chr19-36212425-G-A.
Other names: short protein forms A726T.
Identifiers: ClinVar variation 3364414 (VCV003364414.2).